The following is an entry in ClinVar:

NM_000430.4(PAFAH1B1):c.37C>T (p.Arg13Ter)

Gene: PAFAH1B1 (platelet activating factor acetylhydrolase 1b regulatory subunit 1; plus strand). Cytogenetic location: 17p13.3.
Variant type: single nucleotide variant.
Coding change: c.37C>T on transcript NM_000430.4 (MANE Select); coding-DNA position 37, C replaced by T.
Protein change: p.Arg13Ter; replaces arginine 13 with a stop codon.
Molecular consequence: nonsense.
Genome position (GRCh38, 1-based): chr17:2,665,376, C>T. VCF-style: chr17-2665376-C-T. GRCh37 (hg19) VCF-style: chr17-2568670-C-T.
Other names: short protein forms R13*.
Identifiers: ClinVar variation 159516 (VCV000159516.7), dbSNP rs587784262, ClinGen allele CA272401.
Genomic context (GRCh38, chr17:2,665,376, plus strand): 5'-TCTTCAGAATAGAAATGAGGTCTTTTTTTTAGGAGTCATTTGAATTTTTCTTTCAGAAAT[C>T]GAGCTATAGCAGATTATCTTCGTTCAAATGGCTATGAAGAGGCATATTCAGTTTTTAAAA-3'

ClinVar aggregate classification (germline): Pathogenic. Review status: criteria provided, multiple submitters, no conflicts (2 of 4 stars). 2 submissions from 2 submitters: Pathogenic (2). Last evaluated 2024-10-11.

Conditions:
Lissencephaly due to LIS1 mutation (LIS1). Also called: PAFAH1B1-Associated Lissencephaly/Subcortical Band Heterotopia; PAFAH1B1-Related Lissencephaly/Subcortical Band Heterotopia; Isolated Lissencephaly Sequence. Identifiers: Orphanet 95232, MedGen C4749301, MONDO:0011830, OMIM 607432.

Submissions (2):

Victorian Clinical Genetics Services, Murdoch Childrens Research Institute
Classification: Pathogenic for Lissencephaly due to LIS1 mutation. Last evaluated: 2024-10-11. Review status: criteria provided, single submitter. Criteria: ACMG Guidelines, 2015. Collection method: clinical testing. Allele origin: germline. Inheritance: Autosomal dominant inheritance. Affected: yes.
Comment: Based on the classification scheme VCGS_Germline_v1.3.5, this variant is classified as Pathogenic. Following criteria are met: 0102 - Loss of function is a known mechanism of disease in this gene and is associated with Lissencephaly 1 (MIM#607432). (I) 0107 - This gene is associated with autosomal dominant disease. (I) 0115 - Severity of seizures is greatly variable and is independent of variant type (PMID: 17664403). PAFAH1B1-related lissencephaly / subcortical band heterotopia (SBH) comprises a spectrum of severity (PMID: 20301752). (I) 0204 - Variant is predicted to result in a truncated protein (premature termination codon is NOT located at least 54 nucleotides upstream of the final exon-exon junction) with at least 1/3 of the protein sequence affected. (SP) 0251 - This variant is heterozygous. (I) 0301 - Variant is absent from gnomAD (v2, v3 and v4). (SP) 0702 - Other NMD-escape variants comparable to the one identified in this case have strong previous evidence for pathogenicity. Multiple downstream NMD-escape truncations have pathogenic reports (ClinVar). (SP) 0802 - This variant has moderate previous evidence of pathogenicity in unrelated individuals. The variant has multiple unrelated pathogenic reports in affected individuals and has been reported de novo in an individual with developmental and epileptic encephalopathies (ClinVar, PMID: 38279250). (SP) 0905 - No published segregation evidence has been identified for this variant. (I) 1007 - No published functional evidence has been identified for this variant. (I) 1208 - Inheritance information for this variant is not currently available in this individual. (I) Legend: (SP) - Supporting pathogenic, (I) - Information, (SB) - Supporting benign

Genetic Services Laboratory, University of Chicago
Classification: Pathogenic for Lissencephaly 1. Last evaluated: 2013-02-08. Review status: criteria provided, single submitter. Criteria: ACMG Guidelines, 2007. Collection method: clinical testing. Allele origin: germline. Inheritance: Autosomal dominant inheritance. Affected: yes.

Literature cited by the submitters: PubMed 17664403 (cited by Victorian Clinical Genetics Services, Murdoch Childrens Research Institute); PubMed 20301752 (cited by Victorian Clinical Genetics Services, Murdoch Childrens Research Institute); PubMed 38279250 (cited by Victorian Clinical Genetics Services, Murdoch Childrens Research Institute).